The following is an entry in ClinVar:

NM_000094.4(COL7A1):c.7349del (p.Pro2450fs)

Gene: COL7A1 (collagen type VII alpha 1 chain; minus strand). Cytogenetic location: 3p21.31.
Variant type: Deletion.
Coding change: c.7349del on transcript NM_000094.4 (MANE Select); coding-DNA position 7349, one base deleted (C; older notation c.7349delC).
Protein change: p.Pro2450fs; shifts the reading frame from proline 2450.
Molecular consequence: frameshift variant.
Genome position (GRCh38, 1-based): chr3:48,570,496, G deleted on the plus strand (C on the coding strand, the reverse complement: COL7A1 is on the minus strand); the first of 2 consecutive G bases (chr3:48,570,496-48,570,497); deleting either gives the same sequence. VCF-style (leftmost placement, unchanged base first): chr3-48570495-TG-T. GRCh37 (hg19) VCF-style: chr3-48607928-TG-T.
Other names: short protein forms P2450fs.
Identifiers: ClinVar variation 817173 (VCV000817173.4), dbSNP rs1575425011, ClinGen allele CA915942479.
Genomic context (GRCh38, chr3:48,570,495, plus strand): 5'-GAGAGAGTCAGCAGCACTTGTCCCACCTACCTTGTCTCCTTTGAGTCCAGAGGCCCCAGG[TG>T]GTCCCTGTAGGTCAGAGTGAGGTGAGGGTCCTGTGGCTCTCAAAGCGCCTCCCCCAACAC-3'

ClinVar aggregate classification (germline): Pathogenic/Likely pathogenic. Review status: criteria provided, multiple submitters, no conflicts (2 of 4 stars). 2 submissions from 2 submitters: Pathogenic (1); Likely pathogenic (1). Last evaluated 2022-12-30.

Submissions (2):

Labcorp Genetics (formerly Invitae), Labcorp
Classification: Pathogenic. Last evaluated: 2022-12-30. Review status: criteria provided, single submitter. Criteria: Invitae Variant Classification Sherloc (09022015). Collection method: clinical testing. Allele origin: germline.
Comment: For these reasons, this variant has been classified as Pathogenic. ClinVar contains an entry for this variant (Variation ID: 817173). This variant has not been reported in the literature in individuals affected with COL7A1-related conditions. This variant is not present in population databases (gnomAD no frequency). This sequence change creates a premature translational stop signal (p.Pro2450Hisfs*16) in the COL7A1 gene. It is expected to result in an absent or disrupted protein product. Loss-of-function variants in COL7A1 are known to be pathogenic (PMID: 16971478).

GeneDx
Classification: Likely pathogenic. Last evaluated: 2018-07-26. Review status: criteria provided, single submitter. Criteria: GeneDx Variant Classification (06012015). Collection method: clinical testing. Allele origin: germline. Affected: yes.
Comment: The c.7349delC variant in the COL7A1 gene has not been reported previously as a pathogenic variant nor as a benign variant, to our knowledge. This variant causes a frameshift starting with codon Proline 2450, changes this amino acid to a Histidine residue, and creates a premature Stop codon at position 16 of the new reading frame, denoted p.P2450HfsX16. The c.7349delC variant is predicted to cause loss of normal protein function either through protein truncation or nonsense-mediated mRNA decay. This variant is not observed in large population cohorts (Lek et al., 2016). We interpret c.7349delC as a likely pathogenic variant.

Literature cited by the submitters: PubMed 16971478 (cited by Labcorp Genetics (formerly Invitae), Labcorp).